The following is an entry in ClinVar:

ClinVar aggregate classification (germline): Uncertain significance (1 of 4 stars; one submission).

Allele frequency attached by ClinVar (database versions not stated): gnomAD exomes below 0.00001 and 0.00001; ExAC 0.00001; gnomAD 0.00001; TOPMed 0.00002.
gnomAD v4.1: 19 of 1,608,144 alleles (0.0012%); highest among the groups gnomAD compares: Non-Finnish European, 0.0015%; no homozygotes.

Submission:

Labcorp Genetics (formerly Invitae), Labcorp
Classification: Uncertain significance. Last evaluated: 2025-09-02. Review status: criteria provided, single submitter. Criteria: Invitae Variant Classification Sherloc (09022015). Collection method: clinical testing. Allele origin: germline.
Comment: This sequence change replaces leucine, which is neutral and non-polar, with phenylalanine, which is neutral and non-polar, at codon 471 of the DSG1 protein (p.Leu471Phe). This variant is present in population databases (rs775858223, gnomAD 0.002%). This variant has not been reported in the literature in individuals affected with DSG1-related conditions. ClinVar contains an entry for this variant (Variation ID: 1523784). Invitae Evidence Modeling of protein sequence and biophysical properties (such as structural, functional, and spatial information, amino acid conservation, physicochemical variation, residue mobility, and thermodynamic stability) indicates that this missense variant is not expected to disrupt DSG1 protein function with a negative predictive value of 80%. In summary, the available evidence is currently insufficient to determine the role of this variant in disease. Therefore, it has been classified as a Variant of Uncertain Significance.

NM_001942.4(DSG1):c.1411C>T (p.Leu471Phe)

Gene: DSG1 (desmoglein 1; plus strand). Cytogenetic location: 18q12.1.
Variant type: single nucleotide variant.
Coding change: c.1411C>T on transcript NM_001942.4 (MANE Select); coding-DNA position 1411, C replaced by T.
Protein change: p.Leu471Phe; replaces leucine 471 with phenylalanine.
Molecular consequence: missense variant.
Genome position (GRCh38, 1-based): chr18:31,339,749, C>T. VCF-style: chr18-31339749-C-T. GRCh37 (hg19) VCF-style: chr18-28919712-C-T.
Other names: short protein forms L471F.
Identifiers: ClinVar variation 1523784 (VCV001523784.8), dbSNP rs775858223, ClinGen allele CA8926089.